The following is an entry in ClinVar:

NM_007215.4(POLG2):c.674G>A (p.Arg225Gln)

Genes: MILR1 (mast cell immunoglobulin like receptor 1; plus strand), POLG2 (DNA polymerase gamma 2, accessory subunit; minus strand). Cytogenetic location: 17q23.3.
Variant type: single nucleotide variant.
Coding change: c.674G>A on transcript NM_007215.4 (MANE Select); coding-DNA position 674, G replaced by A.
Protein change: p.Arg225Gln; replaces arginine 225 with glutamine.
Molecular consequence: missense variant.
Genome position (GRCh38, 1-based): chr17:64,492,910, C>T on the plus strand (G>A on the coding strand, the complement: POLG2 is on the minus strand). VCF-style: chr17-64492910-C-T. GRCh37 (hg19) VCF-style: chr17-62489027-C-T.
Other names: p.Arg225Gln; short protein forms R225Q.
Identifiers: ClinVar variation 324559 (VCV000324559.18), dbSNP rs148101254, ClinGen allele CA8712956.

ClinVar aggregate classification (germline): Conflicting classifications of pathogenicity. Review status: criteria provided, conflicting classifications (1 of 4 stars). 8 submissions from 8 submitters: Uncertain significance (5); Likely benign (3). Last evaluated 2026-05-20.

Conditions:
Progressive external ophthalmoplegia with mitochondrial DNA deletions, autosomal dominant 4. Also called: PROGRESSIVE EXTERNAL OPHTHALMOPLEGIA, AUTOSOMAL DOMINANT 4. Identifiers: MedGen C1864668, MONDO:0012415, OMIM 610131.
Hereditary spastic paraplegia. Also called: Familial spastic paraparesis. Identifiers: Orphanet 685, MedGen C0037773, MONDO:0019064. Disease mechanism: loss of function.
POLG2-related disorder. Also called: POLG2-related disorders; POLG2-related condition.

Allele frequency attached by ClinVar (database versions not stated): gnomAD exomes 0.00005 and 0.00008; ExAC 0.00008; gnomAD 0.00016 and 0.00017; TOPMed 0.00023; ESP Exome Variant Server 0.00031; 1000 Genomes Project 0.00040; 1000 Genomes Project 30x 0.00047.
gnomAD v4.1: 114 of 1,614,048 alleles (0.0071%); highest among the groups gnomAD compares: African/African-American, 0.049%; 1 homozygote.

Submissions (8):

Women's Health and Genetics/Laboratory Corporation of America, LabCorp
Classification: Uncertain significance. Last evaluated: 2026-05-20. Review status: criteria provided, single submitter. Criteria: LabCorp Variant Classification Summary - May 2015. Collection method: clinical testing. Allele origin: germline.
Comment: Variant summary: POLG2 c.674G>A (p.Arg225Gln) results in a conservative amino acid change in the encoded protein sequence. Algorithms developed to predict the effect of missense changes on protein structure and function all suggest that this variant is likely to be tolerated. The variant allele was found at a frequency of 8e-05 in 251450 control chromosomes. This frequency is not significantly higher than estimated for disease-causing variants in POLG2, allowing no conclusion about variant significance. To our knowledge, no occurrence of c.674G>A in individuals affected with POLG2-related conditions and no experimental evidence demonstrating its impact on protein function have been reported. ClinVar contains an entry for this variant (Variation ID: 324559). Based on the evidence outlined above, the variant was classified as uncertain significance.

Mayo Clinic Laboratories, Mayo Clinic
Classification: Likely benign. Last evaluated: 2025-10-30. Review status: criteria provided, single submitter. Criteria: ACMG Guidelines, 2015. Collection method: clinical testing. Allele origin: germline. Observed: 1 variant allele.
Comment: BS2, BP4

Labcorp Genetics (formerly Invitae), Labcorp
Classification: Uncertain significance. Last evaluated: 2025-10-19. Review status: criteria provided, single submitter. Criteria: Invitae Variant Classification Sherloc (09022015). Collection method: clinical testing. Allele origin: germline.
Comment: This sequence change replaces arginine, which is basic and polar, with glutamine, which is neutral and polar, at codon 225 of the POLG2 protein (p.Arg225Gln). This variant is present in population databases (rs148101254, gnomAD 0.06%), and has an allele count higher than expected for a pathogenic variant. This variant has not been reported in the literature in individuals affected with POLG2-related conditions. ClinVar contains an entry for this variant (Variation ID: 324559). An algorithm developed to predict the effect of missense changes on protein structure and function (PolyPhen-2) suggests that this variant is likely to be tolerated. In summary, the available evidence is currently insufficient to determine the role of this variant in disease. Therefore, it has been classified as a Variant of Uncertain Significance.

PreventionGenetics, part of Exact Sciences
Classification: Uncertain significance for POLG2-related condition. Last evaluated: 2025-01-18. Review status: criteria provided, single submitter. Criteria: ACMG Guidelines, 2015. Collection method: clinical testing. Allele origin: germline.
Comment: The POLG2 c.674G>A variant is predicted to result in the amino acid substitution p.Arg225Gln. To our knowledge, this variant has not been reported in the literature. This variant is present in 0.064% of alleles in individuals of African descent in gnomAD, which may be too common to be an unreported cause of disease. Although we suspect that this variant may be benign, at this time, the clinical significance of this variant is uncertain due to the absence of conclusive functional and genetic evidence.

Illumina Laboratory Services, Illumina
Classification: Likely benign for Progressive external ophthalmoplegia with mitochondrial DNA deletions, autosomal dominant 4. Last evaluated: 2017-04-27. Review status: criteria provided, single submitter. Criteria: ICSL Variant Classification Criteria 13 December 2019. Collection method: clinical testing. Allele origin: germline.
Comment: This variant was observed as part of a predisposition screen in an ostensibly healthy population. A literature search was performed for the gene, cDNA change, and amino acid change (where applicable). No publications were found based on this search. Allele frequency data from public databases allowed determination this variant is unlikely to cause disease. Therefore, this variant is classified as likely benign.

GeneDx
Classification: Likely benign. Last evaluated: 2016-12-27. Review status: criteria provided, single submitter. Criteria: GeneDx Variant Classification (06012015). Collection method: clinical testing. Allele origin: germline. Affected: yes.
Comment: This variant is considered likely benign or benign based on one or more of the following criteria: it is a conservative change, it occurs at a poorly conserved position in the protein, it is predicted to be benign by multiple in silico algorithms, and/or has population frequency not consistent with disease.

Genome Diagnostics Laboratory, The Hospital for Sick Children
Classification: Uncertain significance for Hereditary spastic paraplegia. Last evaluated: 2016-12-12. Review status: criteria provided, single submitter. Criteria: ACMG Guidelines, 2015. Collection method: clinical testing. Allele origin: germline. Affected: yes.

Center for Pediatric Genomic Medicine, Children's Mercy Hospital and Clinics
Classification: Uncertain significance. Last evaluated: 2016-11-22. Review status: criteria provided, single submitter. Criteria: ACMG Guidelines, 2015. Collection method: clinical testing. Allele origin: germline.
ClinVar note: Converted during submission from Uncertain Significance to Uncertain significance.